The following is an entry in ClinVar:

ClinVar aggregate classification (germline): Uncertain significance. Review status: criteria provided, multiple submitters, no conflicts (2 of 4 stars). 3 submissions from 3 submitters: Uncertain significance (3). Last evaluated 2026-10-01.

Conditions:
Inborn genetic diseases. Identifiers: MedGen C0950123, MeSH D030342.
Thrombocytopenia 2 (THC2). Also called: ANKRD26-Related Thrombocytopenia. Identifiers: Orphanet 268322, MedGen C1861185, MONDO:0008555, OMIM 188000.

Allele frequency attached by ClinVar (database versions not stated): ExAC 0.00001; gnomAD exomes 0.00001; TOPMed 0.00001.
gnomAD v4.1: 8 of 1,614,100 alleles (0.0005%); highest among the groups gnomAD compares: Admixed American, 0.0017%; no homozygotes.

Submissions (3):

St. Jude Molecular Pathology, St. Jude Children's Research Hospital
Classification: Uncertain significance for Thrombocytopenia 2. Last evaluated: 2026-10-01. Review status: criteria provided, single submitter. Criteria: St. Jude Assertion Criteria 2020. Collection method: clinical testing. Allele origin: germline.
Comment: The ANKRD26 c.3515A>T p.(His1172Leu) missense change has a maximum subpopulation frequency of 0.003% in gnomAD v2.1.1. This variant is not located in the 5Ã¢ € ™ UTR. The in silico tool REVEL predicts a benign effect on protein function, but to our knowledge this prediction has not been confirmed by functional studies. To our knowledge, this variant has not been reported in the literature in individuals with ANKRD26- related thrombocytopenia. In summary, the evidence currently available is insufficient to determine the clinical significance of this variant. It has therefore been classified as of uncertain significance (VUS-Low).

Labcorp Genetics (formerly Invitae), Labcorp
Classification: Uncertain significance. Last evaluated: 2025-11-24. Review status: criteria provided, single submitter. Criteria: Invitae Variant Classification Sherloc (09022015). Collection method: clinical testing. Allele origin: germline.
Comment: This sequence change replaces histidine, which is basic and polar, with leucine, which is neutral and non-polar, at codon 1172 of the ANKRD26 protein (p.His1172Leu). This variant is present in population databases (rs771255692, gnomAD 0.003%). This variant has not been reported in the literature in individuals affected with ANKRD26-related conditions. ClinVar contains an entry for this variant (Variation ID: 2170356). An algorithm developed to predict the effect of missense changes on protein structure and function (PolyPhen-2) suggests that this variant is likely to be tolerated. In summary, the available evidence is currently insufficient to determine the role of this variant in disease. Therefore, it has been classified as a Variant of Uncertain Significance.

Ambry Genetics
Classification: Uncertain significance for Inborn genetic diseases. Last evaluated: 2024-12-25. Review status: criteria provided, single submitter. Criteria: Ambry Variant Classification Scheme 2023. Collection method: clinical testing. Allele origin: germline.
Comment: The p.H1172L variant (also known as c.3515A>T), located in coding exon 24 of the ANKRD26 gene, results from an A to T substitution at nucleotide position 3515. The histidine at codon 1172 is replaced by leucine, an amino acid with similar properties. This amino acid position is conserved. In addition, this alteration is predicted to be tolerated by in silico analysis. Based on the available evidence, the clinical significance of this variant remains unclear.

NM_014915.3(ANKRD26):c.3515A>T (p.His1172Leu)

Gene: ANKRD26 (ankyrin repeat domain 26; minus strand). Cytogenetic location: 10p12.1.
Variant type: single nucleotide variant.
Coding change: c.3515A>T on transcript NM_014915.3 (MANE Select); coding-DNA position 3515, A replaced by T.
Protein change: p.His1172Leu; replaces histidine 1172 with leucine.
Molecular consequence: missense variant.
Genome position (GRCh38, 1-based): chr10:27,034,935, T>A on the plus strand (A>T on the coding strand, the complement: ANKRD26 is on the minus strand). VCF-style: chr10-27034935-T-A. GRCh37 (hg19) VCF-style: chr10-27323864-T-A.
Other names: c.3512A>T, p.His1171Leu (NM_001256053.2); short protein forms H1171L, H1172L.
Identifiers: ClinVar variation 2170356 (VCV002170356.6), dbSNP rs771255692, ClinGen allele CA5448029.